The following is an entry in ClinVar:

ClinVar aggregate classification (germline): Pathogenic (1 of 4 stars; one submission).

Conditions:
Congenital multicore myopathy with external ophthalmoplegia (CMYO1B). Also called: MULTICORE MYOPATHY; Minicore myopathy with external ophthalmoplegia; Congenital myopathy 1B, autosomal recessive; Minicore myopathy; MULTIMINICORE DISEASE WITH EXTERNAL OPHTHALMOPLEGIA. Identifiers: Orphanet 598, Orphanet 98905, MedGen C1850674, MONDO:0009712, OMIM 255320, HP:0003789.

Submission:

Women's Health and Genetics/Laboratory Corporation of America, LabCorp
Classification: Pathogenic for Congenital multicore myopathy with external ophthalmoplegia. Last evaluated: 2025-04-09. Review status: criteria provided, single submitter. Criteria: LabCorp Variant Classification Summary - May 2015. Collection method: clinical testing. Allele origin: germline.
Comment: Variant summary: RYR1 c.11671dupT (p.Cys3891LeufsX2) results in a premature termination codon, predicted to cause a truncation of the encoded protein or absence of the protein due to nonsense mediated decay, which are commonly known mechanisms for disease. The variant was absent in 251434 control chromosomes. To our knowledge, no occurrence of c.11671dupT in individuals affected with Congenital multicore myopathy with external ophthalmoplegia and no experimental evidence demonstrating its impact on protein function have been reported. To our knowledge, this variant has not been reported in individuals with Malignant hyperthermia or other autosomal dominant RYR1-related disorders. No submitters have cited clinical-significance assessments for this variant to ClinVar. Based on the evidence outlined above, the variant was classified as pathogenic for Congenital multicore myopathy with external ophthalmoplegia.

NM_000540.3(RYR1):c.11671dup (p.Cys3891fs)

Gene: RYR1 (ryanodine receptor 1; plus strand). Cytogenetic location: 19q13.2.
Variant type: Duplication.
Coding change: c.11671dup on transcript NM_000540.3 (MANE Select); coding-DNA position 11671, one base duplicated (T; older notation c.11671dupT).
Protein change: p.Cys3891fs; shifts the reading frame from cysteine 3891.
Molecular consequence: frameshift variant.
Genome position (GRCh38, 1-based): chr19:38,537,942, T duplicated. VCF-style (leftmost placement, unchanged base first): chr19-38537941-C-CT. GRCh37 (hg19) VCF-style: chr19-39028581-C-CT.
Other names: c.11656dup, p.Cys3886fs (NM_001042723.2); c.11671dupT (NM_000540.3); short protein forms C3886fs, C3891fs.
Identifiers: ClinVar variation 3896384 (VCV003896384.2).